The following is an entry in ClinVar:

NM_194248.3(OTOF):c.1157T>C (p.Ile386Thr)

Gene: OTOF (otoferlin; minus strand). Cytogenetic location: 2p23.3.
Variant type: single nucleotide variant.
Coding change: c.1157T>C on transcript NM_194248.3 (MANE Select); coding-DNA position 1157, T replaced by C.
Protein change: p.Ile386Thr; replaces isoleucine 386 with threonine.
Molecular consequence: missense variant.
Genome position (GRCh38, 1-based): chr2:26,484,522, A>G on the plus strand (T>C on the coding strand, the complement: OTOF is on the minus strand). VCF-style: chr2-26484522-A-G. GRCh37 (hg19) VCF-style: chr2-26707390-A-G.
Other names: c.1157T>C, p.Ile386Thr (NM_001287489.2); short protein forms I386T.
Identifiers: ClinVar variation 4984418 (VCV004984418.1).

ClinVar aggregate classification (germline): Uncertain significance (1 of 4 stars; one submission).

Conditions:
OTOF-related disorder. Also called: OTOF-related condition.

Submission:

PreventionGenetics, part of Exact Sciences
Classification: Uncertain significance for OTOF-related condition. Last evaluated: 2026-03-24. Review status: criteria provided, single submitter. Criteria: ACMG Guidelines, 2015. Collection method: clinical testing. Allele origin: germline.
Comment: The OTOF c.1157T>C variant is predicted to result in the amino acid substitution p.Ile386Thr. To our knowledge, this variant has not been reported in the literature. This variant is reported in 0.0062% of alleles in individuals of African descent in gnomAD. At this time, the clinical significance of this variant is uncertain due to the absence of conclusive functional and genetic evidence.